The following is an entry in ClinVar:

ClinVar aggregate classification (germline): Uncertain significance (1 of 4 stars; one submission).

Allele frequency attached by ClinVar (database versions not stated): gnomAD exomes 0.00002.
gnomAD v4.1: 9 of 1,613,880 alleles (0.00056%); highest among the groups gnomAD compares: East Asian, 0.02%; no homozygotes.

Submission:

Greenwood Genetic Center Diagnostic Laboratories, Greenwood Genetic Center
Classification: Uncertain significance. Last evaluated: 2023-01-31. Review status: criteria provided, single submitter. Criteria: ACMG Guidelines, 2015. Collection method: clinical testing. Allele origin: germline. Affected: yes.
Comment: PM2

NM_015021.3(ZNF292):c.2632A>G (p.Ile878Val)

Gene: ZNF292 (zinc finger protein 292; plus strand). Cytogenetic location: 6q14.3.
Variant type: single nucleotide variant.
Coding change: c.2632A>G on transcript NM_015021.3 (MANE Select); coding-DNA position 2632, A replaced by G.
Protein change: p.Ile878Val; replaces isoleucine 878 with valine.
Molecular consequence: missense variant.
Genome position (GRCh38, 1-based): chr6:87,256,261, A>G. VCF-style: chr6-87256261-A-G. GRCh37 (hg19) VCF-style: chr6-87965979-A-G.
Other names: c.2212A>G, p.Ile738Val (NM_001351444.2); short protein forms I738V, I878V.
Identifiers: ClinVar variation 2505256 (VCV002505256.1), dbSNP rs1256311307, ClinGen allele CA364914765.